The following is an entry in ClinVar:

NM_014363.6(SACS):c.529A>T (p.Arg177Ter)

Gene: SACS (sacsin molecular chaperone; minus strand). Cytogenetic location: 13q12.12.
Variant type: single nucleotide variant.
Coding change: c.529A>T on transcript NM_014363.6 (MANE Select); coding-DNA position 529, A replaced by T.
Protein change: p.Arg177Ter; replaces arginine 177 with a stop codon.
Molecular consequence: nonsense.
Genome position (GRCh38, 1-based): chr13:23,358,410, T>A on the plus strand (A>T on the coding strand, the complement: SACS is on the minus strand). VCF-style: chr13-23358410-T-A. GRCh37 (hg19) VCF-style: chr13-23932549-T-A.
Other names: c.88A>T, p.Arg30Ter (NM_001278055.2); short protein forms R177*, R30*.
Identifiers: ClinVar variation 1726621 (VCV001726621.2), dbSNP rs2542415633, ClinGen allele CA387552034.

ClinVar aggregate classification (germline): Likely pathogenic (1 of 4 stars; one submission).

Conditions:
Charlevoix-Saguenay spastic ataxia (SACS). Also called: Spastic ataxia of Charlevoix-Saguenay; SPASTIC ATAXIA 6, AUTOSOMAL RECESSIVE; AUTOSOMAL RECESSIVE SPASTIC ATAXIA OF CHARLEVOIX-SAGUENAY. Identifiers: Orphanet 98, MedGen C1849140, MONDO:0010041, OMIM 270550.

Submission:

Myriad Genetics, Inc.
Classification: Likely pathogenic for Charlevoix-Saguenay spastic ataxia. Last evaluated: 2021-12-28. Review status: criteria provided, single submitter. Criteria: Myriad Women's Health Autosomal Recessive and X-Linked Classification Criteria (2021). Collection method: clinical testing. Allele origin: unknown.
Comment: NM_014363.4(SACS):c.529A>T(R177*) is expected to be pathogenic in the context of autosomal recessive spastic ataxia of Charlevoix-Saguenay. This variant is predicted to lead to an abnormal or absent protein product due to the creation of a premature termination codon in SACS, a gene where loss-of-function variants are known to be pathogenic. Please note: this variant was assessed in the context of healthy population screening.